The following is an entry in ClinVar:

NM_001042545.2(LTBP4):c.931G>A (p.Gly311Arg)

Genes: LTBP4 (latent transforming growth factor beta binding protein 4; plus strand), LOC121627876 (Sharpr-MPRA regulatory region 12022; plus strand). Cytogenetic location: 19q13.2.
Variant type: single nucleotide variant.
Coding change: c.931G>A on transcript NM_001042545.2 (MANE Select); coding-DNA position 931, G replaced by A.
Protein change: p.Gly311Arg; replaces glycine 311 with arginine.
Molecular consequence: missense variant.
Genome position (GRCh38, 1-based): chr19:40,606,466, G>A. VCF-style: chr19-40606466-G-A. GRCh37 (hg19) VCF-style: chr19-41112372-G-A.
Other names: c.1132G>A, p.Gly378Arg (NM_001042544.1); c.1021G>A, p.Gly341Arg (NM_003573.2); short protein forms G341R, G311R, G378R.
Identifiers: ClinVar variation 4978793 (VCV004978793.1).

ClinVar aggregate classification (germline): Uncertain significance (1 of 4 stars; one submission).

Conditions:
LTBP4-related disorder. Also called: LTBP4-related condition.

gnomAD v4.1: 10 of 1,582,746 alleles (0.00063%); highest among the groups gnomAD compares: Non-Finnish European, 0.00077%; no homozygotes.

Submission:

PreventionGenetics, part of Exact Sciences
Classification: Uncertain significance for LTBP4-related condition. Last evaluated: 2026-02-24. Review status: criteria provided, single submitter. Criteria: ACMG Guidelines, 2015. Collection method: clinical testing. Allele origin: germline.
Comment: The LTBP4 c.1021G>A variant is predicted to result in the amino acid substitution p.Gly341Arg. To our knowledge, this variant has not been reported in the literature. This variant is reported in 0.0020% of alleles in individuals of European (Non-Finnish) descent in gnomAD. At this time, the clinical significance of this variant is uncertain due to the absence of conclusive functional and genetic evidence.